The following is an entry in ClinVar:

NM_005677.4(COLQ):c.1026C>A (p.Asp342Glu)

Gene: COLQ (collagen like tail subunit of asymmetric acetylcholinesterase; minus strand). Cytogenetic location: 3p25.1.
Variant type: single nucleotide variant.
Coding change: c.1026C>A on transcript NM_005677.4 (MANE Select); coding-DNA position 1026, C replaced by A.
Protein change: p.Asp342Glu; replaces aspartic acid 342 with glutamic acid.
Molecular consequence: missense variant.
Genome position (GRCh38, 1-based): chr3:15,456,508, G>T on the plus strand (C>A on the coding strand, the complement: COLQ is on the minus strand). VCF-style: chr3-15456508-G-T. GRCh37 (hg19) VCF-style: chr3-15498015-G-T.
Other names: c.996C>A, p.Asp332Glu (NM_080538.2); c.924C>A, p.Asp308Glu (NM_080539.4); short protein forms D308E, D332E, D342E.
Identifiers: ClinVar variation 3023623 (VCV003023623.5), dbSNP rs758554049, ClinGen allele CA2275898.

ClinVar aggregate classification (germline): Likely pathogenic. Review status: criteria provided, multiple submitters, no conflicts (2 of 4 stars). 2 submissions from 2 submitters: Likely pathogenic (2). Last evaluated 2025-06-16.

Conditions:
Congenital myasthenic syndrome 5. Identifiers: Orphanet 590, MedGen C1864233, MONDO:0011281, OMIM 603034.
Congenital myasthenic syndrome (CMS). Also called: Congenital Myasthenic Syndromes. Identifiers: Orphanet 590, MedGen C0751882, MeSH D020294, MONDO:0018940.

gnomAD v4.1: 11 of 1,614,184 alleles (0.00068%); highest among the groups gnomAD compares: Non-Finnish European, 0.00093%; no homozygotes.

Submissions (2):

Women's Health and Genetics/Laboratory Corporation of America, LabCorp
Classification: Likely pathogenic for Congenital myasthenic syndrome. Last evaluated: 2025-06-16. Review status: criteria provided, single submitter. Criteria: LabCorp Variant Classification Summary - May 2015. Collection method: clinical testing. Allele origin: germline.
Comment: Variant summary: COLQ c.1026C>A (p.Asp342Glu) results in a conservative amino acid change in the encoded protein sequence. Algorithms developed to predict the effect of missense changes on protein structure and function are either unavailable or do not agree on the potential impact of this missense change. The variant allele was found at a frequency of 1.2e-05 in 251472 control chromosomes. To our knowledge, no occurrence of c.1026C>A in individuals affected with Congenital Myasthenic Syndrome has been reported. A different variant resulting in the same amino acid consequence has been classified as likely pathogenic by our lab (c.1026C>G), supporting the pathogenicity of this variant. One publication reports experimental evidence evaluating an impact on protein function, however, does not allow convincing conclusions about the variant effect (Kimbell_2004). The following publication has been ascertained in the context of this evaluation (PMID: 14702351). ClinVar contains an entry for this variant (Variation ID: 3023623). Based on the evidence outlined above, the variant was classified as likely pathogenic.

Labcorp Genetics (formerly Invitae), Labcorp
Classification: Likely pathogenic for Congenital myasthenic syndrome 5. Last evaluated: 2023-12-10. Review status: criteria provided, single submitter. Criteria: Invitae Variant Classification Sherloc (09022015). Collection method: clinical testing. Allele origin: germline.
Comment: This sequence change replaces aspartic acid, which is acidic and polar, with glutamic acid, which is acidic and polar, at codon 342 of the COLQ protein (p.Asp342Glu). This variant is present in population databases (rs758554049, gnomAD 0.003%). This missense change has been observed in individual(s) with congenital myasthenic syndrome (PMID: 10665486). In at least one individual the data is consistent with being in trans (on the opposite chromosome) from a pathogenic variant. It has also been observed to segregate with disease in related individuals. Advanced modeling of protein sequence and biophysical properties (such as structural, functional, and spatial information, amino acid conservation, physicochemical variation, residue mobility, and thermodynamic stability) performed at Invitae indicates that this missense variant is not expected to disrupt COLQ protein function with a negative predictive value of 80%. Experimental studies have shown that this missense change affects COLQ function (PMID: 10665486, 14702351). In summary, the currently available evidence indicates that the variant is pathogenic, but additional data are needed to prove that conclusively. Therefore, this variant has been classified as Likely Pathogenic.

Literature cited by the submitters: PubMed 14702351 (cited by Women's Health and Genetics/Laboratory Corporation of America, LabCorp and Labcorp Genetics (formerly Invitae), Labcorp); PubMed 10665486 (cited by Labcorp Genetics (formerly Invitae), Labcorp).